The following continues an entry in ClinVar:

NM_000350.3(ABCA4):c.2041C>T (p.Arg681Ter)

Gene: ABCA4. ClinVar aggregate classification (germline): Pathogenic. Pathogenic (1).

Submissions 14 to 21 of 21:

Centre for Mendelian Genomics, University Medical Centre Ljubljana
Classification: Pathogenic for Age related macular degeneration 2. Last evaluated: 2019-08-21. Review status: criteria provided, single submitter. Criteria: ACMG Guidelines, 2015. Collection method: clinical testing. Allele origin: unknown. Affected: yes. Not counted in ClinVar's aggregate classification.
Comment: This variant was classified as: Pathogenic. The following ACMG criteria were applied in classifying this variant: PVS1,PM2,PP3,PP5.

Institute of Human Genetics, Univ. Regensburg, Univ. Regensburg
Classification: Pathogenic for Severe early-childhood-onset retinal dystrophy. Last evaluated: 2016-01-01. Review status: criteria provided, single submitter. Criteria: Schulz et al. (Invest Ophthalmol Vis Sci. 2017). Collection method: clinical testing. Allele origin: germline. Affected: yes. Observed: 1 heterozygote. Not counted in ClinVar's aggregate classification.

Centre for Genomic Medicine, Manchester, Central Manchester University Hospitals
Classification: Likely pathogenic for Bull's eye maculopathy. Last evaluated: 2015-01-19. Review status: no assertion criteria provided. Collection method: clinical testing. Allele origin: germline. Affected: yes. Not counted in ClinVar's aggregate classification.

NIHR Bioresource Rare Diseases, University of Cambridge
Classification: Pathogenic for Leber congenital amaurosis. Last evaluated: 2015-01-01. Review status: no assertion criteria provided. Collection method: research. Allele origin: unknown. Affected: yes. Observed: 1 variant allele. Not counted in ClinVar's aggregate classification.

Clinical Genetics, Academic Medical Center
Classification: Pathogenic. Review status: no assertion criteria provided. Collection method: clinical testing. Allele origin: germline. Affected: yes. Study: VKGL Data-share Consensus. Not counted in ClinVar's aggregate classification.

Joint Genome Diagnostic Labs from Nijmegen and Maastricht, Radboudumc and MUMC+
Classification: Pathogenic. Review status: no assertion criteria provided. Collection method: clinical testing. Allele origin: germline. Affected: yes. Study: VKGL Data-share Consensus. Not counted in ClinVar's aggregate classification.

Ophthalmo-Genetics Lab, Instituto de Oftalmologia Conde de Valenciana
Classification: Pathogenic for Stargardt disease 3. Review status: no assertion criteria provided. Collection method: research. Allele origin: germline. Inheritance: Autosomal recessive inheritance. Affected: yes. Not counted in ClinVar's aggregate classification.

Retina International
No classification provided. Review status: no classification provided. Collection method: not provided. Allele origin: not provided. Not counted in ClinVar's aggregate classification.

Literature cited by the submitters: PubMed 29925512 (cited by Women's Health and Genetics/Laboratory Corporation of America, LabCorp and Institute of Human Genetics, Univ. Regensburg, Univ. Regensburg); PubMed 10958761 (cited by Labcorp Genetics (formerly Invitae), Labcorp); PubMed 24938718 (cited by Labcorp Genetics (formerly Invitae), Labcorp); PubMed 25312043 (cited by Labcorp Genetics (formerly Invitae), Labcorp); PubMed 26780318 (cited by Labcorp Genetics (formerly Invitae), Labcorp); PubMed 10090887 (cited by 3 submitters); PubMed 25544989 (cited by Labcorp Genetics (formerly Invitae), Labcorp and Institute of Human Genetics, Univ. Regensburg, Univ. Regensburg); PubMed 28041643 (cited by 3 submitters); PubMed 28559085 (cited by Labcorp Genetics (formerly Invitae), Labcorp and Institute of Human Genetics, Univ. Regensburg, Univ. Regensburg); PubMed 19074458 (cited by Institute of Human Genetics, Univ. Regensburg, Univ. Regensburg); PubMed 24342785 (cited by Institute of Human Genetics, Univ. Regensburg, Univ. Regensburg and Ophthalmo-Genetics Lab, Instituto de Oftalmologia Conde de Valenciana); PubMed 24713488 (cited by Institute of Human Genetics, Univ. Regensburg, Univ. Regensburg); PubMed 25525159 (cited by Institute of Human Genetics, Univ. Regensburg, Univ. Regensburg); PubMed 29555955 (cited by Institute of Human Genetics, Univ. Regensburg, Univ. Regensburg); PubMed 29736279 (cited by Institute of Human Genetics, Univ. Regensburg, Univ. Regensburg); PubMed 31589614 (cited by Institute of Human Genetics, Univ. Regensburg, Univ. Regensburg); PubMed 32619608 (cited by Institute of Human Genetics, Univ. Regensburg, Univ. Regensburg); PubMed 31964843 (cited by Institute of Human Genetics, Univ. Regensburg, Univ. Regensburg); PubMed 31429209 (cited by Institute of Human Genetics, Univ. Regensburg, Univ. Regensburg); PubMed 32307445 (cited by Institute of Human Genetics, Univ. Regensburg, Univ. Regensburg); PubMed 32036094 (cited by Institute of Human Genetics, Univ. Regensburg, Univ. Regensburg); PubMed 32531858 (cited by Institute of Human Genetics, Univ. Regensburg, Univ. Regensburg); PubMed 35119454 (cited by Institute of Human Genetics, Univ. Regensburg, Univ. Regensburg); PubMed 36460718 (cited by Institute of Human Genetics, Univ. Regensburg, Univ. Regensburg); PubMed 36819107 (cited by Institute of Human Genetics, Univ. Regensburg, Univ. Regensburg); PubMed 26872967 (cited by Centre for Genomic Medicine, Manchester, Central Manchester University Hospitals).